The following is an entry in ClinVar:

NM_004667.6(HERC2):c.6950G>A (p.Arg2317Gln)

Gene: HERC2 (HECT and RLD domain containing E3 ubiquitin protein ligase 2; minus strand). Cytogenetic location: 15q13.1.
Variant type: single nucleotide variant.
Coding change: c.6950G>A on transcript NM_004667.6 (MANE Select); coding-DNA position 6950, G replaced by A.
Protein change: p.Arg2317Gln; replaces arginine 2317 with glutamine.
Molecular consequence: missense variant.
Genome position (GRCh38, 1-based): chr15:28,211,121, C>T on the plus strand (G>A on the coding strand, the complement: HERC2 is on the minus strand). VCF-style: chr15-28211121-C-T. GRCh37 (hg19) VCF-style: chr15-28456267-C-T.
Other names: short protein forms R2317Q.
Identifiers: ClinVar variation 5016826 (VCV005016826.1).

ClinVar aggregate classification (germline): Uncertain significance (1 of 4 stars; one submission).

gnomAD v4.1: 47 of 1,598,126 alleles (0.0029%); highest among the groups gnomAD compares: Middle Eastern, 0.068%; no homozygotes.

Submission:

GeneDx
Classification: Uncertain significance. Last evaluated: 2026-04-07. Review status: criteria provided, single submitter. Criteria: GeneDx Variant Classification Process June 2021. Collection method: clinical testing. Allele origin: germline.
Comment: In silico analysis supports that this missense variant has a deleterious effect on protein structure/function; Has not been previously published as pathogenic or benign to our knowledge